The following is an entry in ClinVar:

ClinVar aggregate classification (germline): Uncertain significance. Review status: criteria provided, multiple submitters, no conflicts (2 of 4 stars). 5 submissions from 5 submitters: Uncertain significance (5). Last evaluated 2025-12-30.

Conditions:
MYH11-related disorder. Also called: MYH11-related condition.
Familial thoracic aortic aneurysm and aortic dissection (TAAD). Also called: Thoracic aortic aneurysms and dissections. Identifiers: Orphanet 91387, MedGen C4707243, MONDO:0019625.
Aortic aneurysm, familial thoracic 4 (AAT4). Also called: AORTIC ANEURYSM/AORTIC DISSECTION AND PATENT DUCTUS ARTERIOSUS. Identifiers: MedGen C1851504, MONDO:0007568, OMIM 132900.

Allele frequency attached by ClinVar (database versions not stated): gnomAD 0.00001; TOPMed 0.00001.
gnomAD v4.1: 2 of 1,614,028 alleles (0.00012%); highest among the groups gnomAD compares: Non-Finnish European, 0.000085%; no homozygotes.

Submissions (5):

Labcorp Genetics (formerly Invitae), Labcorp
Classification: Uncertain significance for Aortic aneurysm, familial thoracic 4. Last evaluated: 2025-12-30. Review status: criteria provided, single submitter. Criteria: Invitae Variant Classification Sherloc (09022015). Collection method: clinical testing. Allele origin: germline.
Comment: This sequence change replaces serine, which is neutral and polar, with phenylalanine, which is neutral and non-polar, at codon 1319 of the MYH11 protein (p.Ser1319Phe). This variant is not present in population databases (gnomAD no frequency). This variant has not been reported in the literature in individuals affected with MYH11-related conditions. ClinVar contains an entry for this variant (Variation ID: 808000). Invitae Evidence Modeling of protein sequence and biophysical properties (such as structural, functional, and spatial information, amino acid conservation, physicochemical variation, residue mobility, and thermodynamic stability) indicates that this missense variant is not expected to disrupt MYH11 protein function with a negative predictive value of 95%. In summary, the available evidence is currently insufficient to determine the role of this variant in disease. Therefore, it has been classified as a Variant of Uncertain Significance.

Ambry Genetics
Classification: Uncertain significance for Familial thoracic aortic aneurysm and aortic dissection. Last evaluated: 2025-04-12. Review status: criteria provided, single submitter. Criteria: Ambry Variant Classification Scheme 2023. Collection method: clinical testing. Allele origin: germline.
Comment: The p.S1312F variant (also known as c.3935C>T), located in coding exon 28 of the MYH11 gene, results from a C to T substitution at nucleotide position 3935. The serine at codon 1312 is replaced by phenylalanine, an amino acid with highly dissimilar properties. This amino acid position is conserved. In addition, the in silico prediction for this alteration is inconclusive. Based on the available evidence, the clinical significance of this variant remains unclear.

PreventionGenetics, part of Exact Sciences
Classification: Uncertain significance for MYH11-related condition. Last evaluated: 2025-01-07. Review status: criteria provided, single submitter. Criteria: ACMG Guidelines, 2015. Collection method: clinical testing. Allele origin: germline.
Comment: The MYH11 c.3956C>T variant is predicted to result in the amino acid substitution p.Ser1319Phe. To our knowledge, this variant has not been reported in the literature or in a large population database (gnomAD), indicating this variant is rare. At this time, the clinical significance of this variant is uncertain due to the absence of conclusive functional and genetic evidence.

All of Us Research Program, National Institutes of Health
Classification: Uncertain significance for Familial thoracic aortic aneurysm and aortic dissection. Last evaluated: 2024-04-10. Review status: criteria provided, single submitter. Criteria: ACMG Guidelines, 2015. Collection method: clinical testing. Allele origin: germline. Inheritance: Autosomal dominant inheritance. Observed: 2 variant alleles, 2 heterozygotes.
Comment: This missense variant replaces serine with phenylalanine at codon 1319 of the MYH11 protein. Computational prediction tool is inconclusive regarding the impact of this variant on protein structure and function (internally defined REVEL score threshold 0.5 < inconclusive < 0.7, PMID: 27666373). Splice site prediction tools suggest that this variant may not impact RNA splicing. To our knowledge, functional studies have not been performed for this variant. This variant has not been reported in individuals affected with cardiovascular disorders in the literature. This variant has not been identified in the general population by the Genome Aggregation Database (gnomAD). The available evidence is insufficient to determine the role of this variant in disease conclusively. Therefore, this variant is classified as a Variant of Uncertain Significance.

This study involves interpretation of variants in research participants for the purpose of population health screening. Participant phenotype was not available at the time of variant classification. Additional details can be found in publication PMID: 35346344, PMCID: PMC8962531

Color Diagnostics, LLC DBA Color Health
Classification: Uncertain significance for Familial thoracic aortic aneurysm and aortic dissection. Last evaluated: 2024-03-06. Review status: criteria provided, single submitter. Criteria: ACMG Guidelines, 2015. Collection method: clinical testing. Allele origin: germline.
Comment: This missense variant replaces serine with phenylalanine at codon 1319 of the MYH11 protein. Computational prediction is inconclusive regarding the impact of this variant on protein structure and function (internally defined REVEL score threshold 0.5 < inconclusive < 0.7, PMID: 27666373). To our knowledge, functional studies have not been reported for this variant. This variant has not been reported in individuals affected with MYH11-related disorders in the literature. This variant has not been identified in the general population by the Genome Aggregation Database (gnomAD). The available evidence is insufficient to determine the role of this variant in disease conclusively. Therefore, this variant is classified as a Variant of Uncertain Significance.

NM_002474.3(MYH11):c.3935C>T (p.Ser1312Phe)

Genes: MYH11 (myosin heavy chain 11; minus strand), NDE1 (nudE neurodevelopment protein 1; plus strand). Cytogenetic location: 16p13.11.
Variant type: single nucleotide variant.
Coding change: c.3935C>T on transcript NM_002474.3 (MANE Select); coding-DNA position 3935, C replaced by T.
Protein change: p.Ser1312Phe; replaces serine 1312 with phenylalanine.
Molecular consequence: missense variant. On other transcripts: 3 prime UTR variant (2).
Genome position (GRCh38, 1-based): chr16:15,724,916, G>A on the plus strand (C>T on the coding strand, the complement: MYH11 is on the minus strand). VCF-style: chr16-15724916-G-A. GRCh37 (hg19) VCF-style: chr16-15818773-G-A.
Other names: c.3956C>T, p.Ser1319Phe (NM_001040113.2, NM_001040114.2); c.3935C>T, p.Ser1312Phe (NM_022844.3); c.*665G>A (NM_001143979.2, NM_017668.3); c.3935C>T (NM_002474.2); short protein forms S1319F, S1312F.
Identifiers: ClinVar variation 808000 (VCV000808000.24), dbSNP rs1596732730, ClinGen allele CA394858903.